The following is an entry in ClinVar:

ClinVar aggregate classification (germline): Uncertain significance (1 of 4 stars; one submission).

Conditions:
Peroxisome biogenesis disorder 9B. Also called: PEX7-Related Refsum Disease; Refsum disease, adult, 2; PEROXISOME BIOGENESIS DISORDER, PEX7-RELATED, ATYPICAL. Identifiers: Orphanet 773, MedGen C2749346, MONDO:0013945, OMIM 614879.

Allele frequency attached by ClinVar (database versions not stated): 1000 Genomes Project 30x 0.00016; TOPMed below 0.00001; gnomAD 0.00001.

Submission:

Labcorp Genetics (formerly Invitae), Labcorp
Classification: Uncertain significance for Peroxisome biogenesis disorder 9B. Last evaluated: 2022-08-20. Review status: criteria provided, single submitter. Criteria: Invitae Variant Classification Sherloc (09022015). Collection method: clinical testing. Allele origin: germline.
Comment: This sequence change replaces glutamine, which is neutral and polar, with arginine, which is basic and polar, at codon 38 of the PEX7 protein (p.Gln38Arg). In summary, the available evidence is currently insufficient to determine the role of this variant in disease. Therefore, it has been classified as a Variant of Uncertain Significance. Algorithms developed to predict the effect of missense changes on protein structure and function are either unavailable or do not agree on the potential impact of this missense change (SIFT: "Tolerated"; PolyPhen-2: "Probably Damaging"; Align-GVGD: "Class C0"). This variant has not been reported in the literature in individuals affected with PEX7-related conditions. This variant is not present in population databases (gnomAD no frequency).

NM_000288.4(PEX7):c.113A>G (p.Gln38Arg)

Gene: PEX7 (peroxisomal biogenesis factor 7; plus strand). Cytogenetic location: 6q23.3.
Variant type: single nucleotide variant.
Coding change: c.113A>G on transcript NM_000288.4 (MANE Select); coding-DNA position 113, A replaced by G.
Protein change: p.Gln38Arg; replaces glutamine 38 with arginine.
Molecular consequence: missense variant.
Genome position (GRCh38, 1-based): chr6:136,822,778, A>G. VCF-style: chr6-136822778-A-G. GRCh37 (hg19) VCF-style: chr6-137143916-A-G.
Other names: short protein forms Q38R.
Identifiers: ClinVar variation 2159474 (VCV002159474.4), dbSNP rs1774102278, ClinGen allele CA365855411.